The following is an entry in ClinVar:

NM_001321967.2(ATAD1):c.647T>G (p.Phe216Cys)

Gene: ATAD1 (ATPase family AAA domain containing 1; minus strand). Cytogenetic location: 10q23.31.
Variant type: single nucleotide variant.
Coding change: c.647T>G on transcript NM_001321967.2 (MANE Select); coding-DNA position 647, T replaced by G.
Protein change: p.Phe216Cys; replaces phenylalanine 216 with cysteine.
Molecular consequence: missense variant. On other transcripts: non-coding transcript variant (1).
Genome position (GRCh38, 1-based): chr10:87,776,364, A>C on the plus strand (T>G on the coding strand, the complement: ATAD1 is on the minus strand). VCF-style: chr10-87776364-A-C. GRCh37 (hg19) VCF-style: chr10-89536121-A-C.
Other names: c.647T>G, p.Phe216Cys (NM_001321968.2, NM_032810.4); c.290T>G, p.Phe97Cys (NM_001321969.2); short protein forms F216C, F97C.
Identifiers: ClinVar variation 2020645 (VCV002020645.4), dbSNP rs2493090584, ClinGen allele CA377489829.

ClinVar aggregate classification (germline): Uncertain significance (1 of 4 stars; one submission).

Submission:

Labcorp Genetics (formerly Invitae), Labcorp
Classification: Uncertain significance. Last evaluated: 2022-07-30. Review status: criteria provided, single submitter. Criteria: Invitae Variant Classification Sherloc (09022015). Collection method: clinical testing. Allele origin: germline.
Comment: In summary, the available evidence is currently insufficient to determine the role of this variant in disease. Therefore, it has been classified as a Variant of Uncertain Significance. Algorithms developed to predict the effect of missense changes on protein structure and function are either unavailable or do not agree on the potential impact of this missense change (SIFT: "Not Available"; PolyPhen-2: "Probably Damaging"; Align-GVGD: "Not Available"). This variant has not been reported in the literature in individuals affected with ATAD1-related conditions. This variant is not present in population databases (gnomAD no frequency). This sequence change replaces phenylalanine, which is neutral and non-polar, with cysteine, which is neutral and slightly polar, at codon 216 of the ATAD1 protein (p.Phe216Cys).